The following is an entry in ClinVar:

ClinVar aggregate classification (germline): Pathogenic (1 of 4 stars; one submission).

Conditions:
Hereditary cancer-predisposing syndrome. Also called: Hereditary neoplastic syndrome; Neoplastic Syndromes, Hereditary; Tumor predisposition; Hereditary Cancer Syndrome. Identifiers: Orphanet 140162, MedGen C0027672, MeSH D009386, MONDO:0015356.

Submission:

Ambry Genetics
Classification: Pathogenic for Hereditary cancer-predisposing syndrome. Last evaluated: 2025-01-16. Review status: criteria provided, single submitter. Criteria: Ambry Variant Classification Scheme 2023. Collection method: clinical testing. Allele origin: germline.
Comment: The c.17_18delTT pathogenic mutation, located in coding exon 1 of the BRCA1 gene, results from a deletion of two nucleotides at nucleotide positions 17 to 18, causing a translational frameshift with a predicted alternate stop codon (p.L6Pfs*3). This variant is considered to be rare based on population cohorts in the Genome Aggregation Database (gnomAD). This alteration is expected to result in loss of function by premature protein truncation or nonsense-mediated mRNA decay. As such, this alteration is interpreted as a disease-causing mutation.

NM_007294.4(BRCA1):c.17_18del (p.Leu6fs)

Gene: BRCA1 (BRCA1 DNA repair associated; minus strand). Cytogenetic location: 17q21.31.
Variant type: Deletion.
Coding change: c.17_18del on transcript NM_007294.4 (MANE Select); coding-DNA positions 17 to 18, 2 bases deleted (TT; older notation c.17_18delTT).
Protein change: p.Leu6fs; shifts the reading frame from leucine 6.
Molecular consequence: frameshift variant. On other transcripts: 5 prime UTR variant (1), non-coding transcript variant (1).
Genome position (GRCh38, 1-based): chr17:43,124,079-43,124,080, AA deleted on the plus strand (TT on the coding strand, the reverse complement: BRCA1 is on the minus strand). VCF-style (leftmost placement, unchanged base first): chr17-43124078-GAA-G. GRCh37 (hg19) VCF-style: chr17-41276095-GAA-G.
Other names: c.17_18delTT, p.Leu6Profs (NM_001407673.1, NM_001407674.1, NM_001407675.1 and 191 more transcripts); c.-172_-171delTT (NM_001407571.1, NM_001407853.1, NM_001407879.1 and 46 more transcripts); c.-241_-240delTT (NM_001407694.1, NM_001407724.1, NM_001407727.1 and 11 more transcripts); c.-245_-244delTT (NM_001407695.1, NM_001408465.1); c.-386_-385delTT (NM_001407696.1); c.-270_-269delTT (NM_001407697.1, NM_001407846.1, NM_001407920.1); c.-71_-70delTT (NM_001407698.1, NM_001407732.1, NM_001407736.1 and 22 more transcripts); c.-244_-243delTT (NM_001407725.1, NM_001407730.1, NM_001407734.1 and 22 more transcripts); and 10 more; short protein forms L6fs.
Identifiers: ClinVar variation 3825289 (VCV003825289.1).